The following is an entry in ClinVar:

ClinVar aggregate classification (germline): Likely benign (0 of 4 stars; one submission).

Conditions:
VPS13B-related disorder. Also called: VPS13B-related condition.

gnomAD v4.1: 2 of 1,614,030 alleles (0.00012%); highest among the groups gnomAD compares: African/African-American, 0.0027%; no homozygotes.

Submission:

PreventionGenetics, part of Exact Sciences
Classification: Likely benign for VPS13B-related condition. Last evaluated: 2022-04-09. Review status: no assertion criteria provided. Collection method: clinical testing. Allele origin: germline.
Comment: This variant is classified as likely benign based on ACMG/AMP sequence variant interpretation guidelines (Richards et al. 2015 PMID: 25741868, with internal and published modifications).

NM_152564.5(VPS13B):c.10221G>A (p.Gly3407=)

Gene: VPS13B (vacuolar protein sorting 13 homolog B; plus strand). Cytogenetic location: 8q22.2.
Variant type: single nucleotide variant.
Coding change: c.10221G>A on transcript NM_152564.5 (MANE Select); coding-DNA position 10221, G replaced by A.
Protein change: p.Gly3407=; no amino-acid change (glycine 3407 retained).
Molecular consequence: synonymous variant.
Genome position (GRCh38, 1-based): chr8:99,853,610, G>A. VCF-style: chr8-99853610-G-A. GRCh37 (hg19) VCF-style: chr8-100865838-G-A.
Other names: c.10296G>A, p.Gly3432= (NM_017890.5).
Identifiers: ClinVar variation 3353824 (VCV003353824.1).
Genomic context (GRCh38, chr8:99,853,610, plus strand): 5'-GAGACTCACACTGGACAACATTTTTCTCTGTGTGGCCCCGGGAGCTGGTCCCCTCCCTGG[G>A]GAAGAGCCTGTGGCTGCGTTGTTTGAACTTTACTGTGTGGAGATCTGCTGTGGGGACCTG-3'
Protein context (NP_689777.3, residues 3397-3417): CVAPGAGPLP[Gly3407=]EEPVAALFEL